The following is an entry in ClinVar:

NM_000536.4(RAG2):c.1076A>G (p.Gln359Arg)

Gene: RAG2 (recombination activating 2; minus strand). Cytogenetic location: 11p12.
Variant type: single nucleotide variant.
Coding change: c.1076A>G on transcript NM_000536.4 (MANE Select); coding-DNA position 1076, A replaced by G.
Protein change: p.Gln359Arg; replaces glutamine 359 with arginine.
Molecular consequence: missense variant.
Genome position (GRCh38, 1-based): chr11:36,593,093, T>C on the plus strand (A>G on the coding strand, the complement: RAG2 is on the minus strand). VCF-style: chr11-36593093-T-C. GRCh37 (hg19) VCF-style: chr11-36614643-T-C.
Other names: c.1076A>G, p.Gln359Arg (NM_001243785.2, NM_001243786.2); short protein forms Q359R.
Identifiers: ClinVar variation 2145363 (VCV002145363.1), dbSNP rs765055291, ClinGen allele CA5950479.

ClinVar aggregate classification (germline): Uncertain significance (1 of 4 stars; one submission).

Conditions:
Severe combined immunodeficiency, autosomal recessive, T cell-negative, B cell-negative, NK cell-positive. Also called: SCID, T CELL-NEGATIVE, B CELL-NEGATIVE, NK CELL-POSITIVE; SCID, AR, T-cell negative, B-cell negative, NK cell-positive; Severe combined immunodeficiency due to complete RAG1/2 deficiency. Identifiers: Orphanet 331206, MedGen C1832322, MONDO:0011086, OMIM 601457.
Combined immunodeficiency with skin granulomas. Identifiers: Orphanet 157949, MedGen C2673536, MONDO:0009306, OMIM 233650.

Allele frequency attached by ClinVar (database versions not stated): ExAC 0.00003.
gnomAD v4.1: 15 of 1,614,130 alleles (0.00093%); highest among the groups gnomAD compares: South Asian, 0.016%; no homozygotes.

Submission:

Labcorp Genetics (formerly Invitae), Labcorp
Classification: Uncertain significance for Combined immunodeficiency with skin granulomas; Severe combined immunodeficiency, autosomal recessive, T cell-negative, B cell-negative, NK cell-positive. Last evaluated: 2021-10-20. Review status: criteria provided, single submitter. Criteria: Invitae Variant Classification Sherloc (09022015). Collection method: clinical testing. Allele origin: germline.
Comment: This sequence change replaces glutamine with arginine at codon 359 of the RAG2 protein (p.Gln359Arg). The glutamine residue is moderately conserved and there is a small physicochemical difference between glutamine and arginine. This variant is present in population databases (rs765055291, ExAC 0.02%). This variant has not been reported in the literature in individuals affected with RAG2-related conditions. Advanced modeling of protein sequence and biophysical properties (such as structural, functional, and spatial information, amino acid conservation, physicochemical variation, residue mobility, and thermodynamic stability) performed at Invitae indicates that this missense variant is not expected to disrupt RAG2 protein function. In summary, the available evidence is currently insufficient to determine the role of this variant in disease. Therefore, it has been classified as a Variant of Uncertain Significance.